The following is an entry in ClinVar:

NM_005198.5(CHKB):c.677+1G>C

Genes: CHKB-CPT1B (CHKB-CPT1B readthrough (NMD candidate); minus strand), CHKB (choline kinase beta; minus strand). Cytogenetic location: 22q13.33.
Variant type: single nucleotide variant.
Coding change: c.677+1G>C on transcript NM_005198.5 (MANE Select); the canonical splice donor site of the intron after coding-DNA position 677, G replaced by C.
Molecular consequence: splice donor variant.
Genome position (GRCh38, 1-based): chr22:50,580,564, C>G on the plus strand (G>C on the coding strand, the complement: CHKB is on the minus strand). VCF-style: chr22-50580564-C-G. GRCh37 (hg19) VCF-style: chr22-51018993-C-G.
Identifiers: ClinVar variation 2165925 (VCV002165925.4), dbSNP rs786205118, ClinGen allele CA412199440.

ClinVar aggregate classification (germline): Pathogenic (1 of 4 stars; one submission).

Conditions:
Megaconial type congenital muscular dystrophy (MDCMC). Also called: MUSCULAR DYSTROPHY, CONGENITAL, WITH MITOCHONDRIAL STRUCTURAL ABNORMALITIES; CHKB-Related Muscle Diseases; CHKB-Related Muscular Dystrophy. Identifiers: Orphanet 280671, MedGen C1865233, MONDO:0011246, OMIM 602541.

Allele frequency attached by ClinVar (database versions not stated): gnomAD exomes 0.00001.
gnomAD v4.1: 8 of 1,614,108 alleles (0.0005%); highest among the groups gnomAD compares: Non-Finnish European, 0.00068%; no homozygotes.

Submission:

Labcorp Genetics (formerly Invitae), Labcorp
Classification: Pathogenic for Megaconial type congenital muscular dystrophy. Last evaluated: 2022-08-23. Review status: criteria provided, single submitter. Criteria: Invitae Variant Classification Sherloc (09022015). Collection method: clinical testing. Allele origin: germline.
Comment: This variant is not present in population databases (gnomAD no frequency). For these reasons, this variant has been classified as Pathogenic. Algorithms developed to predict the effect of sequence changes on RNA splicing suggest that this variant may disrupt the consensus splice site. Disruption of this splice site has been observed in individuals with congenital muscular dystrophy (PMID: 21665002). This sequence change affects a donor splice site in intron 5 of the CHKB gene. It is expected to disrupt RNA splicing. Variants that disrupt the donor or acceptor splice site typically lead to a loss of protein function (PMID: 16199547), and loss-of-function variants in CHKB are known to be pathogenic (PMID: 21665002).

Literature cited by the submitters: PubMed 21665002; PubMed 16199547.